The following is an entry in ClinVar:

NM_014244.5(ADAMTS2):c.314C>G (p.Pro105Arg)

Gene: ADAMTS2 (ADAM metallopeptidase with thrombospondin type 1 motif 2; minus strand). Cytogenetic location: 5q35.3.
Variant type: single nucleotide variant.
Coding change: c.314C>G on transcript NM_014244.5 (MANE Select); coding-DNA position 314, C replaced by G.
Protein change: p.Pro105Arg; replaces proline 105 with arginine.
Molecular consequence: missense variant.
Genome position (GRCh38, 1-based): chr5:179,343,987, G>C on the plus strand (C>G on the coding strand, the complement: ADAMTS2 is on the minus strand). VCF-style: chr5-179343987-G-C. GRCh37 (hg19) VCF-style: chr5-178770988-G-C.
Other names: c.314C>G, p.Pro105Arg (NM_021599.4); short protein forms P105R.
Identifiers: ClinVar variation 1366178 (VCV001366178.5), dbSNP rs1757859721, ClinGen allele CA362622998.

ClinVar aggregate classification (germline): Uncertain significance (1 of 4 stars; one submission).

Conditions:
Ehlers-Danlos syndrome, dermatosparaxis type. Also called: EDS VIIC; Ehlers-Danlos syndrome, type VII, autosomal recessive; Dermatosparaxis. Identifiers: Orphanet 1901, MedGen C2700425, MONDO:0009161, OMIM 225410.

Allele frequency attached by ClinVar (database versions not stated): TOPMed below 0.00001.

Submission:

Labcorp Genetics (formerly Invitae), Labcorp
Classification: Uncertain significance for Ehlers-Danlos syndrome, dermatosparaxis type. Last evaluated: 2021-09-24. Review status: criteria provided, single submitter. Criteria: Invitae Variant Classification Sherloc (09022015). Collection method: clinical testing. Allele origin: germline.
Comment: This sequence change replaces proline with arginine at codon 105 of the ADAMTS2 protein (p.Pro105Arg). The proline residue is highly conserved and there is a moderate physicochemical difference between proline and arginine. This variant is not present in population databases (ExAC no frequency). This variant has not been reported in the literature in individuals with ADAMTS2-related conditions. Algorithms developed to predict the effect of missense changes on protein structure and function are either unavailable or do not agree on the potential impact of this missense change (SIFT: "Deleterious"; PolyPhen-2: "Benign"; Align-GVGD: "Class C0"). In summary, the available evidence is currently insufficient to determine the role of this variant in disease. Therefore, it has been classified as a Variant of Uncertain Significance.